The following is an entry in ClinVar:

NM_000297.4(PKD2):c.2139C>T (p.Val713=)

Gene: PKD2 (polycystin 2, transient receptor potential cation channel; plus strand). Cytogenetic location: 4q22.1.
Variant type: single nucleotide variant.
Coding change: c.2139C>T on transcript NM_000297.4 (MANE Select); coding-DNA position 2139, C replaced by T.
Protein change: p.Val713=; no amino-acid change (valine 713 retained).
Molecular consequence: synonymous variant. On other transcripts: non-coding transcript variant (1).
Genome position (GRCh38, 1-based): chr4:88,065,394, C>T. VCF-style: chr4-88065394-C-T. GRCh37 (hg19) VCF-style: chr4-88986546-C-T.
Identifiers: ClinVar variation 350025 (VCV000350025.42), dbSNP rs200707583, ClinGen allele CA3004145.
Genomic context (GRCh38, chr4:88,065,394, plus strand): 5'-TACACTAAACCAAGTCTTTTATTTTTTCTCTCTCTGATAGGGCTACCATAAAGCTTTGGT[C>T]AAACTAAAACTGAAAAAAAATACCGTGGATGACATTTCAGAGAGTCTGCGGCAAGGAGGA-3'
Protein context (NP_000288.1, residues 703-723): LIRKGYHKAL[Val713=]KLKLKKNTVD

ClinVar aggregate classification (germline): Benign/Likely benign. Review status: criteria provided, multiple submitters, no conflicts (2 of 4 stars). 5 submissions from 5 submitters: Benign (2); Likely benign (2). 1 of the submissions does not count toward it. Last evaluated 2026-01-01.

Conditions:
Polycystic kidney disease. Also called: Polycystic kidney dysplasia; Kidney, Polycystic. Identifiers: MedGen C0022680, MeSH D007690, MONDO:0020642, HP:0000113.
Polycystic kidney disease 2 (PKD2). Also called: POLYCYSTIC KIDNEY DISEASE, ADULT, TYPE II; Polycystic Kidney Disease 2, Autosomal Dominant; POLYCYSTIC KIDNEY DISEASE 2 WITH OR WITHOUT POLYCYSTIC LIVER DISEASE. Identifiers: MedGen C2751306, MONDO:0013131, OMIM 613095.
Autosomal dominant polycystic kidney disease. Identifiers: Orphanet 730, MedGen C0085413, MONDO:0004691.

Allele frequency attached by ClinVar (database versions not stated): gnomAD 0.00001 and 0.00020; TOPMed 0.00007; gnomAD exomes 0.00084; ExAC 0.00091; 1000 Genomes Project 0.00220; 1000 Genomes Project 30x 0.00234.
gnomAD v4.1: 486 of 1,612,012 alleles (0.03%); highest among the groups gnomAD compares: South Asian, 0.47%; 8 homozygotes.

Submissions (5):

Labcorp Genetics (formerly Invitae), Labcorp
Classification: Benign for Autosomal dominant polycystic kidney disease. Last evaluated: 2026-01-01. Review status: criteria provided, single submitter. Criteria: Invitae Variant Classification Sherloc (09022015). Collection method: clinical testing. Allele origin: germline.

Blueprint Genetics
Classification: Likely benign. Last evaluated: 2024-08-23. Review status: criteria provided, single submitter. Criteria: ACMG Guidelines, 2015. Collection method: clinical testing. Allele origin: germline.

CeGaT Center for Human Genetics Tuebingen
Classification: Benign. Last evaluated: 2023-04-01. Review status: criteria provided, single submitter. Criteria: CeGaT Center For Human Genetics Tuebingen Variant Classification Criteria Version 2. Collection method: clinical testing. Allele origin: germline. Affected: yes. Observed: 1 variant allele.
Comment: PKD2: BP4, BP7, BS1, BS2

Illumina Laboratory Services, Illumina
Classification: Likely benign for Polycystic kidney disease 2. Last evaluated: 2018-01-13. Review status: criteria provided, single submitter. Criteria: ICSL Variant Classification Criteria 13 December 2019. Collection method: clinical testing. Allele origin: germline.
Comment: This variant was observed in the ICSL laboratory as part of a predisposition screen in an ostensibly healthy population. It had not been previously curated by ICSL or reported in the Human Gene Mutation Database (HGMD: prior to June 1st, 2018), and was therefore a candidate for classification through an automated scoring system. Utilizing variant allele frequency, disease prevalence and penetrance estimates, and inheritance mode, an automated score was calculated to assess if this variant is too frequent to cause the disease. Based on the score and internal cut-off values, a variant classified as likely benign is not then subjected to further curation. The score for this variant resulted in a classification of likely benign for this disease.

Department of Pathology and Laboratory Medicine, Sinai Health System
Classification: Likely benign for Polycystic Kidney disease. Review status: no assertion criteria provided. Collection method: clinical testing. Allele origin: unknown. Affected: yes. Study: The Canadian Open Genetics Repository (COGR). Not counted in ClinVar's aggregate classification.
Comment: The PKD2 p.Val713= variant was not identified in the literature nor was it identified in the LOVD 3.0, ADPKD Mutation Database, or PKD1-LOVD databases. The variant was identified in dbSNP (ID: rs200707583) as "With Uncertain significance allele" and ClinVar (classified as uncertain significance by Illumina). The variant was identified in control databases in 210 of 246078 chromosomes (3 homozygous) at a frequency of 0.0009 (Genome Aggregation Database Feb 27, 2017). The variant was observed in the following populations: South Asian in 204 of 30782 chromosomes (freq: 0.007, increasing the likelihood this could be a low frequency benign variant), African in 1 of 15304 chromosomes (freq: 0.00007), and Other in 5 of 5482 chromosomes (freq: 0.0009), while the variant was not observed in the Latino, European (Non-Finnish), Ashkenazi Jewish, East Asian, or European (Finnish) populations. The p.Val713= variant is not expected to have clinical significance because it does not result in a change of amino acid and is not located in a known consensus splice site. In addition, 5 of 5 in silico or computational prediction software programs (SpliceSiteFinder, MaxEntScan, NNSPLICE, GeneSplicer) do not predict a difference in splicing. In summary, based on the above information, the clinical significance of this variant cannot be determined with certainty at this time although we would lean towards a more benign role for this variant. This variant is classified as likely benign.